The following is an entry in ClinVar:

ClinVar aggregate classification (germline): Uncertain significance (1 of 4 stars; one submission).

Conditions:
Long QT syndrome (LQTS). Identifiers: MedGen C0023976, MeSH D008133, MONDO:0002442. Disease mechanism: loss of function. Inheritance: Various modes of inheritance.

Allele frequency attached by ClinVar (database versions not stated): TOPMed below 0.00001; ExAC 0.00001.

Submission:

Labcorp Genetics (formerly Invitae), Labcorp
Classification: Uncertain significance for Long QT syndrome. Last evaluated: 2022-06-26. Review status: criteria provided, single submitter. Criteria: Invitae Variant Classification Sherloc (09022015). Collection method: clinical testing. Allele origin: germline.
Comment: Experimental studies and prediction algorithms are not available or were not evaluated, and the functional significance of this variant is currently unknown. In summary, the available evidence is currently insufficient to determine the role of this variant in disease. Therefore, it has been classified as a Variant of Uncertain Significance. This premature translational stop signal has been observed in individual(s) with clinical features of long QT syndrome (PMID: 19716085). This variant is present in population databases (rs764130990, gnomAD 0.006%). This sequence change creates a premature translational stop signal (p.Gln117*) in the KCNE1 gene. While this is not anticipated to result in nonsense mediated decay, it is expected to disrupt the last 13 amino acid(s) of the KCNE1 protein.

Literature cited by the submitters: PubMed 19716085.

NM_000219.6(KCNE1):c.349C>T (p.Gln117Ter)

Gene: KCNE1 (potassium voltage-gated channel subfamily E regulatory subunit 1; minus strand). Cytogenetic location: 21q22.12.
Variant type: single nucleotide variant.
Coding change: c.349C>T on transcript NM_000219.6 (MANE Select); coding-DNA position 349, C replaced by T.
Protein change: p.Gln117Ter; replaces glutamine 117 with a stop codon.
Molecular consequence: nonsense.
Genome position (GRCh38, 1-based): chr21:34,449,286, G>A on the plus strand (C>T on the coding strand, the complement: KCNE1 is on the minus strand). VCF-style: chr21-34449286-G-A. GRCh37 (hg19) VCF-style: chr21-35821584-G-A.
Other names: c.349C>T, p.Gln117Ter (NM_001127668.4, NM_001127669.4, NM_001127670.4 and 4 more transcripts); short protein forms Q117*.
Identifiers: ClinVar variation 2138384 (VCV002138384.4), dbSNP rs764130990, ClinGen allele CA320425113.